The following is an entry in ClinVar:

ClinVar aggregate classification (germline): Uncertain significance. Review status: criteria provided, multiple submitters, no conflicts (2 of 4 stars). 2 submissions from 2 submitters: Uncertain significance (2). Last evaluated 2024-05-07.

Conditions:
Imerslund-Grasbeck syndrome type 1 (IGS1). Also called: Imerslund-Gräsbeck syndrome 1; Megaloblastic anemia 1, Finnish type; MEGALOBLASTIC ANEMIA, 1. Identifiers: MedGen C4016819, MONDO:0100156, OMIM 261100.
Proteinuria, chronic benign. Identifiers: MedGen C5394384, MONDO:0030042, OMIM 618884.
Imerslund-Grasbeck syndrome. Also called: ENTEROCYTE COBALAMIN MALABSORPTION; ENTEROCYTE INTRINSIC FACTOR RECEPTOR, DEFECT OF; PERNICIOUS ANEMIA, JUVENILE, DUE TO SELECTIVE INTESTINAL MALABSORPTION OF VITAMIN B12, WITH PROTEINURIA; Imerslund-Gräsbeck syndrome; Megaloblastic anemia due to inborn errors of metabolism. Identifiers: Orphanet 35858, MedGen C4551825, MONDO:0009853.

Allele frequency attached by ClinVar (database versions not stated): TOPMed below 0.00001.

Submissions (2):

Fulgent Genetics
Classification: Uncertain significance for Imerslund-Grasbeck syndrome type 1; Proteinuria, chronic benign. Last evaluated: 2024-05-07. Review status: criteria provided, single submitter. Criteria: ACMG Guidelines, 2015. Collection method: clinical testing. Allele origin: germline.

Labcorp Genetics (formerly Invitae), Labcorp
Classification: Uncertain significance for Imerslund-Grasbeck syndrome. Last evaluated: 2021-12-16. Review status: criteria provided, single submitter. Criteria: Invitae Variant Classification Sherloc (09022015). Collection method: clinical testing. Allele origin: germline.
Comment: This sequence change replaces methionine, which is neutral and non-polar, with threonine, which is neutral and polar, at codon 3372 of the CUBN protein (p.Met3372Thr). In summary, the available evidence is currently insufficient to determine the role of this variant in disease. Therefore, it has been classified as a Variant of Uncertain Significance. Algorithms developed to predict the effect of missense changes on protein structure and function are either unavailable or do not agree on the potential impact of this missense change (SIFT: "Deleterious"; PolyPhen-2: "Benign"; Align-GVGD: "Class C0"). This variant has not been reported in the literature in individuals affected with CUBN-related conditions. This variant is not present in population databases (gnomAD no frequency).

NM_001081.4(CUBN):c.10115T>C (p.Met3372Thr)

Gene: CUBN (cubilin; minus strand). Cytogenetic location: 10p13.
Variant type: single nucleotide variant.
Coding change: c.10115T>C on transcript NM_001081.4 (MANE Select); coding-DNA position 10115, T replaced by C.
Protein change: p.Met3372Thr; replaces methionine 3372 with threonine.
Molecular consequence: missense variant.
Genome position (GRCh38, 1-based): chr10:16,836,300, A>G on the plus strand (T>C on the coding strand, the complement: CUBN is on the minus strand). VCF-style: chr10-16836300-A-G. GRCh37 (hg19) VCF-style: chr10-16878299-A-G.
Other names: short protein forms M3372T.
Identifiers: ClinVar variation 2141528 (VCV002141528.5), dbSNP rs1839165388, ClinGen allele CA376121901.